The following is an entry in ClinVar:

ClinVar aggregate classification (germline): Uncertain significance. Review status: criteria provided, multiple submitters, no conflicts (2 of 4 stars). 5 submissions from 5 submitters: Uncertain significance (5). Last evaluated 2026-08-05.

Conditions:
Cardiovascular phenotype. Identifiers: MedGen CN230736.
Vesicoureteral reflux 8 (VUR8). Identifiers: Orphanet 289365, MedGen C4014831, MONDO:0014422, OMIM 615963.
Ehlers-Danlos syndrome (EDS). Identifiers: Orphanet 98249, MedGen C0013720, MONDO:0020066.

Allele frequency attached by ClinVar (database versions not stated): TOPMed 0.00003; gnomAD exomes 0.00001; gnomAD 0.00002; ExAC 0.00002.
gnomAD v4.1: 34 of 1,612,854 alleles (0.0021%); highest among the groups gnomAD compares: Non-Finnish European, 0.0029%; no homozygotes.

Submissions (5):

GeneDx
Classification: Uncertain significance. Last evaluated: 2026-08-05. Review status: criteria provided, single submitter. Criteria: GeneDx Variant Classification Process June 2021. Collection method: clinical testing. Allele origin: germline.
Comment: Not observed at significant frequency in large population cohorts (gnomAD); In silico analysis supports that this missense variant has a deleterious effect on protein structure/function; Has not been previously published as pathogenic or benign to our knowledge

Women's Health and Genetics/Laboratory Corporation of America, LabCorp
Classification: Uncertain significance. Last evaluated: 2025-10-27. Review status: criteria provided, single submitter. Criteria: LabCorp Variant Classification Summary - May 2015. Collection method: clinical testing. Allele origin: germline.
Comment: Variant summary: TNXB c.2135C>T (p.Pro712Leu) results in a non-conservative amino acid change in the encoded protein sequence. Algorithms developed to predict the effect of missense changes on protein structure and function are either unavailable or do not agree on the potential impact of this missense change. The variant allele was found at a frequency of 1.2e-05 in 248946 control chromosomes. The available data on variant occurrences in the general population are insufficient to allow any conclusion about variant significance. To our knowledge, no occurrence of c.2135C>T in individuals affected with TNXB-related conditions and no experimental evidence demonstrating its impact on protein function have been reported. ClinVar contains an entry for this variant (Variation ID: 1218025). Based on the evidence outlined above, the variant was classified as uncertain significance.

Ambry Genetics
Classification: Uncertain significance for Cardiovascular phenotype. Last evaluated: 2025-05-30. Review status: criteria provided, single submitter. Criteria: Ambry Variant Classification Scheme 2023. Collection method: clinical testing. Allele origin: germline.
Comment: The p.P712L variant (also known as c.2135C>T), located in coding exon 2 of the TNXB gene, results from a C to T substitution at nucleotide position 2135. The proline at codon 712 is replaced by leucine, an amino acid with similar properties. This amino acid position is highly conserved in available vertebrate species. In addition, this alteration is predicted to be tolerated by in silico analysis. Since supporting evidence is limited at this time, the clinical significance of this alteration remains unclear.

Pittsburgh Clinical Genomics Laboratory, University of Pittsburgh Medical Center
Classification: Uncertain significance for Vesicoureteral reflux 8. Last evaluated: 2022-06-13. Review status: criteria provided, single submitter. Criteria: ACMG Guidelines, 2015. Collection method: clinical testing. Allele origin: germline. Inheritance: Autosomal dominant inheritance. Affected: yes.
Comment: This sequence variant is a single nucleotide substitution (C>T) at position 2135 of the coding sequence of the TNXB gene that results in a proline to leucine amino acid change at residue 712 of the TNXB encoded protein, tescin-X. The Pro712 residue falls in the 18 of 19 epidermal growth factor-like motif of tescin-X. This is a previously reported variant (ClinVar) that has not been observed in individuals with Ehlers-Danlos syndrome in the published literature, to our knowledge. This variant is present in control population datasets (gnomAD database, 3 of 248,946 alleles, 0.001%). Multiple bioinformatic tools predict that this proline to leucine amino acid change would be damaging, and the Pro712 residue is strongly conserved across the vertebrate species examined. Studies examining the functiol consequence of this variant have not been published, to our knowledge. At this time, there is insufficient evidence to determine if this variant is pathogenic or benign. Therefore, we consider this a variant of uncertain significance. ACMG Criteria: PM1, PP1, PP3

Genome Diagnostics Laboratory, The Hospital for Sick Children
Classification: Uncertain significance for Ehlers-Danlos syndrome. Last evaluated: 2019-02-01. Review status: criteria provided, single submitter. Criteria: ACMG Guidelines, 2015. Collection method: clinical testing. Allele origin: germline.

NM_001365276.2(TNXB):c.2135C>T (p.Pro712Leu)

Gene: TNXB (tenascin XB; minus strand). Cytogenetic location: 6p21.33.
Variant type: single nucleotide variant.
Coding change: c.2135C>T on transcript NM_001365276.2 (MANE Select); coding-DNA position 2135, C replaced by T.
Protein change: p.Pro712Leu; replaces proline 712 with leucine.
Molecular consequence: missense variant.
Genome position (GRCh38, 1-based): chr6:32,095,718, G>A on the plus strand (C>T on the coding strand, the complement: TNXB is on the minus strand). VCF-style: chr6-32095718-G-A. GRCh37 (hg19) VCF-style: chr6-32063495-G-A.
Other names: c.2135C>T, p.Pro712Leu (NM_019105.8); short protein forms P712L.
Identifiers: ClinVar variation 1218025 (VCV001218025.16), dbSNP rs766469380, ClinGen allele CA3735549.